The following is an entry in ClinVar:

ClinVar aggregate classification (germline): Uncertain significance (1 of 4 stars; one submission).

Conditions:
Cryopyrin associated periodic syndrome (CAPS). Identifiers: Orphanet 208650, MedGen C2316212, MONDO:0016168.

Submission:

Labcorp Genetics (formerly Invitae), Labcorp
Classification: Uncertain significance for Cryopyrin associated periodic syndrome. Last evaluated: 2025-04-30. Review status: criteria provided, single submitter. Criteria: Invitae Variant Classification Sherloc (09022015). Collection method: clinical testing. Allele origin: germline.
Comment: This sequence change replaces cysteine, which is neutral and slightly polar, with serine, which is neutral and polar, at codon 415 of the NLRP3 protein (p.Cys415Ser). This variant is not present in population databases (gnomAD no frequency). This variant has not been reported in the literature in individuals affected with NLRP3-related conditions. Invitae Evidence Modeling of protein sequence and biophysical properties (such as structural, functional, and spatial information, amino acid conservation, physicochemical variation, residue mobility, and thermodynamic stability) indicates that this missense variant is expected to disrupt NLRP3 protein function with a positive predictive value of 95%. In summary, the available evidence is currently insufficient to determine the role of this variant in disease. Therefore, it has been classified as a Variant of Uncertain Significance.

NM_001243133.2(NLRP3):c.1237T>A (p.Cys413Ser)

Gene: NLRP3 (NLR family pyrin domain containing 3; plus strand). Cytogenetic location: 1q44.
Variant type: single nucleotide variant.
Coding change: c.1237T>A on transcript NM_001243133.2 (MANE Select); coding-DNA position 1237, T replaced by A.
Protein change: p.Cys413Ser; replaces cysteine 413 with serine.
Molecular consequence: missense variant.
Genome position (GRCh38, 1-based): chr1:247,424,686, T>A. VCF-style: chr1-247424686-T-A. GRCh37 (hg19) VCF-style: chr1-247587988-T-A.
Other names: c.1237T>A, p.Cys413Ser (NM_001079821.3, NM_001127461.3, NM_001127462.3 and 1 more transcripts); c.1243T>A, p.Cys415Ser (NM_004895.5); short protein forms C413S, C415S.
Identifiers: ClinVar variation 4800143 (VCV004800143.1).
Genomic context (GRCh38, chr1:247,424,686, plus strand): 5'-GCCTTCAGTCTGATTCAGGAGAACGAGGTCCTCTTCACCATGTGCTTCATCCCCCTGGTC[T>A]GCTGGATCGTGTGCACTGGACTGAAACAGCAGATGGAGAGTGGCAAGAGCCTTGCCCAGA-3'
Protein context (NP_001230062.1, residues 403-423): LFTMCFIPLV[Cys413Ser]WIVCTGLKQQ